The following is an entry in ClinVar:

ClinVar aggregate classification (germline): Uncertain significance (1 of 4 stars; one submission).

Submission:

GeneDx
Classification: Uncertain significance. Last evaluated: 2019-07-18. Review status: criteria provided, single submitter. Criteria: GeneDx Variant Classification Process June 2021. Collection method: clinical testing. Allele origin: germline. Affected: yes.
Comment: Not observed in large population cohorts (Lek et al., 2016); Frameshift variant predicted to result in protein extension as the last 158 amino acids are replaced with 160 incorrect amino acids; Has not been previously published as pathogenic or benign to our knowledge; Variants in candidate genes are classified as variants of uncertain significance in accordance with ACMG guidelines (Richards et al., 2015)

NM_006372.5(SYNCRIP):c.1215del (p.Phe405fs)

Gene: SYNCRIP (synaptotagmin binding cytoplasmic RNA interacting protein; minus strand). Cytogenetic location: 6q14.3.
Variant type: Deletion.
Coding change: c.1215del on transcript NM_006372.5 (MANE Select); coding-DNA position 1215, one base deleted (T; older notation c.1215delT).
Protein change: p.Phe405fs; shifts the reading frame from phenylalanine 405.
Molecular consequence: frameshift variant.
Genome position (GRCh38, 1-based): chr6:85,618,883, A deleted on the plus strand (T on the coding strand, the reverse complement: SYNCRIP is on the minus strand); the first of 5 consecutive A bases (chr6:85,618,883-85,618,887); deleting any one gives the same sequence. VCF-style (leftmost placement, unchanged base first): chr6-85618882-CA-C. GRCh37 (hg19) VCF-style: chr6-86328600-CA-C.
Other names: c.921del, p.Phe307fs (NM_001159673.2, NM_001410938.1); c.1110del, p.Phe370fs (NM_001159674.2); c.1106delT, p.Phe370Leufs (NM_001159675.2); c.1211delT, p.Phe405Leufs (NM_001159676.2); c.1215del, p.Phe405fs (NM_001159677.2); c.759del, p.Phe253fs (NM_001253771.2); short protein forms F253fs, F307fs, F370fs, F405fs.
Identifiers: ClinVar variation 1307200 (VCV001307200.2), dbSNP rs2128281759, ClinGen allele CA2573052752.